The following is an entry in ClinVar:

NM_004360.5(CDH1):c.824C>T (p.Ala275Val)

Gene: CDH1 (cadherin 1; plus strand). Cytogenetic location: 16q22.1.
Variant type: single nucleotide variant.
Coding change: c.824C>T on transcript NM_004360.5 (MANE Select); coding-DNA position 824, C replaced by T.
Protein change: p.Ala275Val; replaces alanine 275 with valine.
Molecular consequence: missense variant. On other transcripts: 5 prime UTR variant (2).
Genome position (GRCh38, 1-based): chr16:68,810,333, C>T. VCF-style: chr16-68810333-C-T. GRCh37 (hg19) VCF-style: chr16-68844236-C-T.
Other names: c.824C>T, p.Ala275Val (NM_001317184.2); c.-792C>T (NM_001317185.2); c.-996C>T (NM_001317186.2); short protein forms A275V.
Identifiers: ClinVar variation 4758185 (VCV004758185.3).
Genomic context (GRCh38, chr16:68,810,333, plus strand): 5'-AGAATGACAACAAGCCCGAATTCACCCAGGAGGTCTTTAAGGGGTCTGTCATGGAAGGTG[C>T]TCTTCCAGGTATATCCACTAATGAGAATCTGAATACTCAGAAAGACTCTTAGGTTCTTTG-3'
Protein context (NP_004351.1, residues 265-285): EVFKGSVMEG[Ala275Val]LPGTSVMEVT

ClinVar aggregate classification (germline): Conflicting classifications of pathogenicity. Review status: criteria provided, conflicting classifications (1 of 4 stars). 3 submissions from 3 submitters: Uncertain significance (2); Likely benign (1). Last evaluated 2026-07-13.

Conditions:
Hereditary diffuse gastric adenocarcinoma (HDGC). Also called: DIFFUSE GASTRIC AND LOBULAR BREAST CANCER SYNDROME. Identifiers: Orphanet 26106, MedGen C1708349, MONDO:0007648, OMIM 137215.
Hereditary cancer-predisposing syndrome. Also called: Hereditary Cancer Syndrome; Hereditary neoplastic syndrome; Neoplastic Syndromes, Hereditary; Tumor predisposition. Identifiers: Orphanet 140162, MedGen C0027672, MeSH D009386, MONDO:0015356.

Submissions (3):

Ambry Genetics
Classification: Uncertain significance for Hereditary cancer-predisposing syndrome. Last evaluated: 2026-07-13. Review status: criteria provided, single submitter. Criteria: Ambry Variant Classification Scheme 2023. Collection method: clinical testing. Allele origin: germline.
Comment: The p.A275V variant (also known as c.824C>T), located in coding exon 6 of the CDH1 gene, results from a C to T substitution at nucleotide position 824. The alanine at codon 275 is replaced by valine, an amino acid with similar properties. This amino acid position is conserved. In addition, this alteration is predicted to be tolerated by in silico analysis. Based on the available evidence, the clinical significance of this variant remains unclear.

Myriad Genetics, Inc.
Classification: Likely benign for Hereditary diffuse gastric adenocarcinoma. Last evaluated: 2025-12-02. Review status: criteria provided, single submitter. Criteria: Myriad Autosomal Dominant, Autosomal Recessive and X-Linked Classification Criteria (2023). Collection method: clinical testing. Allele origin: unknown.
Comment: This variant is considered likely benign. Homozygosity has been confirmed in one or more individuals. As homozygosity for pathogenic variants in this gene is generally assumed to result in embryonic lethality, this variant is unlikely to be pathogenic.

Color Diagnostics, LLC DBA Color Health
Classification: Uncertain significance for Hereditary cancer-predisposing syndrome. Last evaluated: 2025-10-20. Review status: criteria provided, single submitter. Criteria: ACMG Guidelines, 2015. Collection method: clinical testing. Allele origin: germline.
Comment: This missense variant replaces alanine with valine at codon 275 of the CDH1 protein. To our knowledge, functional studies have not been reported for this variant. This variant has not been reported in individuals affected with CDH1-related disorders in the literature. This variant has not been identified in the general population by the Genome Aggregation Database (gnomAD). The available evidence is insufficient to determine the role of this variant in disease conclusively. Therefore, this variant is classified as a Variant of Uncertain Significance.